The following is an entry in ClinVar:

NM_016156.6(MTMR2):c.1770G>A (p.Gln590=)

Gene: MTMR2 (myotubularin related protein 2; minus strand). Cytogenetic location: 11q21.
Variant type: single nucleotide variant.
Coding change: c.1770G>A on transcript NM_016156.6 (MANE Select); coding-DNA position 1770, G replaced by A.
Protein change: p.Gln590=; no amino-acid change (glutamine 590 retained).
Molecular consequence: synonymous variant.
Genome position (GRCh38, 1-based): chr11:95,836,148, C>T on the plus strand (G>A on the coding strand, the complement: MTMR2 is on the minus strand). VCF-style: chr11-95836148-C-T. GRCh37 (hg19) VCF-style: chr11-95569312-C-T.
Other names: c.1554G>A, p.Gln518= (NM_001243571.2, NM_201278.3, NM_201281.3).
Identifiers: ClinVar variation 543316 (VCV000543316.8), dbSNP rs778532655, ClinGen allele CA6239886.
Genomic context (GRCh38, chr11:95,836,148, plus strand): 5'-AAGGAGACAAAGTTGCACTGCATGAATGAAAACTCCCATTGTATATTGTAAGGCACATAC[C>T]TGTGGTTTCATCCGTGGATTCCACCTTATGTAATATCCCACCCAGAGCTCTAGGTGGCGC-3'
Protein context (NP_057240.3, residues 580-600): YIRWNPRMKP[Gln590=]EPIHNRYKEL

ClinVar aggregate classification (germline): Uncertain significance (1 of 4 stars; one submission).

Conditions:
Charcot-Marie-Tooth disease type 4. Also called: Charcot-Marie-Tooth disease, type IV; Charcot-Marie-Tooth, Type 4. Identifiers: Orphanet 64749, MedGen C4082197, MONDO:0018995.

Allele frequency attached by ClinVar (database versions not stated): TOPMed below 0.00001; gnomAD 0.00001; ExAC 0.00002; gnomAD exomes 0.00002.

Submission:

Labcorp Genetics (formerly Invitae), Labcorp
Classification: Uncertain significance for Charcot-Marie-Tooth disease type 4. Last evaluated: 2024-04-16. Review status: criteria provided, single submitter. Criteria: Invitae Variant Classification Sherloc (09022015). Collection method: clinical testing. Allele origin: germline.
Comment: This sequence change affects codon 590 of the MTMR2 mRNA. It is a 'silent' change, meaning that it does not change the encoded amino acid sequence of the MTMR2 protein. This variant also falls at the last nucleotide of exon 14, which is part of the consensus splice site for this exon. This variant is present in population databases (rs778532655, gnomAD 0.004%). This variant has not been reported in the literature in individuals affected with MTMR2-related conditions. ClinVar contains an entry for this variant (Variation ID: 543316). Variants that disrupt the consensus splice site are a relatively common cause of aberrant splicing (PMID: 17576681, 9536098). Algorithms developed to predict the effect of sequence changes on RNA splicing suggest that this variant may disrupt the consensus splice site. In summary, the available evidence is currently insufficient to determine the role of this variant in disease. Therefore, it has been classified as a Variant of Uncertain Significance.

Literature cited by the submitters: PubMed 17576681; PubMed 9536098.